The following is an entry in ClinVar:

NM_001048166.1(STIL):c.1264C>A (p.Pro422Thr)

Gene: STIL (STIL centriolar assembly protein; minus strand). Cytogenetic location: 1p33.
Variant type: single nucleotide variant.
Coding change: c.1264C>A on transcript NM_001048166.1 (MANE Select); coding-DNA position 1264, C replaced by A.
Protein change: p.Pro422Thr; replaces proline 422 with threonine.
Molecular consequence: missense variant.
Genome position (GRCh38, 1-based): chr1:47,281,194, G>T on the plus strand (C>A on the coding strand, the complement: STIL is on the minus strand). VCF-style: chr1-47281194-G-T. GRCh37 (hg19) VCF-style: chr1-47746866-G-T.
Other names: c.1264C>A, p.Pro422Thr (NM_001282936.1, NM_001282937.1, NM_003035.2); c.1123C>A, p.Pro375Thr (NM_001282938.1, NM_001282939.1); short protein forms P422T, P375T.
Identifiers: ClinVar variation 546576 (VCV000546576.8), dbSNP rs888258532, ClinGen allele CA22047351.

ClinVar aggregate classification (germline): Conflicting classifications of pathogenicity. Review status: criteria provided, conflicting classifications (1 of 4 stars). 3 submissions from 3 submitters: Likely pathogenic (1); Uncertain significance (2). Last evaluated 2024-08-27.

Conditions:
Microcephaly 7, primary, autosomal recessive. Identifiers: Orphanet 2512, MedGen C2675187, MONDO:0012989, OMIM 612703.

Allele frequency attached by ClinVar (database versions not stated): gnomAD 0.00001.
gnomAD v4.1: 7 of 1,612,522 alleles (0.00043%); highest among the groups gnomAD compares: Non-Finnish European, 0.00059%; no homozygotes.

Submissions (3):

Labcorp Genetics (formerly Invitae), Labcorp
Classification: Uncertain significance. Last evaluated: 2024-08-27. Review status: criteria provided, single submitter. Criteria: Invitae Variant Classification Sherloc (09022015). Collection method: clinical testing. Allele origin: germline.
Comment: This sequence change replaces proline, which is neutral and non-polar, with threonine, which is neutral and polar, at codon 422 of the STIL protein (p.Pro422Thr). This variant is present in population databases (no rsID available, gnomAD 0.0009%). This variant has not been reported in the literature in individuals affected with STIL-related conditions. ClinVar contains an entry for this variant (Variation ID: 546576). Invitae Evidence Modeling of protein sequence and biophysical properties (such as structural, functional, and spatial information, amino acid conservation, physicochemical variation, residue mobility, and thermodynamic stability) indicates that this missense variant is expected to disrupt STIL protein function with a positive predictive value of 80%. In summary, the available evidence is currently insufficient to determine the role of this variant in disease. Therefore, it has been classified as a Variant of Uncertain Significance.

GeneDx
Classification: Likely pathogenic. Last evaluated: 2018-06-04. Review status: criteria provided, single submitter. Criteria: GeneDx Variant Classification (06012015). Collection method: clinical testing. Allele origin: germline. Affected: yes.
Comment: A variant that is likely pathogenic has also been identified in the STIL gene. The P422T variant has not been published as a pathogenic variant, nor has it been reported as a benign variant to our knowledge. The P422T variant is not observed at significant frequencyin large population cohorts (Lek et al., 2016). The P422T variant is a non-conservative amino acid substitution, which is likely to impact secondary protein structure as these residues differ in polarity, charge, size and/or other properties. In-silico analyses, including protein predictors and evolutionary conservation, support a deleterious effect. Therefore, this variant is likely pathogenic; however, the possibility that it is benign cannot be excluded.

Illumina Laboratory Services, Illumina
Classification: Uncertain significance for Microcephaly 7, primary, autosomal recessive. Last evaluated: 2018-01-12. Review status: criteria provided, single submitter. Criteria: ICSL Variant Classification Criteria 13 December 2019. Collection method: clinical testing. Allele origin: germline.